The following is an entry in ClinVar:

NM_001349206.2(LPIN1):c.*425G>A

Gene: LPIN1 (lipin 1; plus strand). Cytogenetic location: 2p25.1.
Variant type: single nucleotide variant.
Coding change: c.*425G>A on transcript NM_001349206.2 (MANE Select); 425 bases downstream of the stop codon, G replaced by A.
Molecular consequence: 3 prime UTR variant. On other transcripts: non-coding transcript variant (1).
Genome position (GRCh38, 1-based): chr2:11,825,216, G>A. VCF-style: chr2-11825216-G-A. GRCh37 (hg19) VCF-style: chr2-11965342-G-A.
Other names: c.*425G>A (NM_001261427.3, NM_001261428.3, NM_001349199.2 and 9 more transcripts).
Identifiers: ClinVar variation 330925 (VCV000330925.6), dbSNP rs74564998, ClinGen allele CA10612061.

ClinVar aggregate classification (germline): Benign. Review status: criteria provided, multiple submitters, no conflicts (2 of 4 stars). 2 submissions from 2 submitters: Benign (2). Last evaluated 2018-01-13.

Conditions:
Myoglobinuria, acute recurrent, autosomal recessive. Also called: MYOGLOBINURIA, FAMILIAL PAROXYSMAL PARALYTIC; RHABDOMYOLYSIS, ACUTE RECURRENT; Myoglobinuria, recurrent, autosomal recessive. Identifiers: Orphanet 99845, MedGen C1849386, MONDO:0009992, OMIM 268200.

Allele frequency attached by ClinVar (database versions not stated): 1000 Genomes Project 30x 0.03576; 1000 Genomes Project 0.03734; TOPMed 0.06029; gnomAD 0.06315 and 0.06351; gnomAD exomes 0.07627.
gnomAD v4.1: 16,331 of 239,546 alleles (6.8%); highest among the groups gnomAD compares: Middle Eastern, 12%; 771 homozygotes.

Submissions (2):

Illumina Laboratory Services, Illumina
Classification: Benign for Myoglobinuria, acute recurrent, autosomal recessive. Last evaluated: 2018-01-13. Review status: criteria provided, single submitter. Criteria: ICSL Variant Classification Criteria 13 December 2019. Collection method: clinical testing. Allele origin: germline.
Comment: This variant was observed in the ICSL laboratory as part of a predisposition screen in an ostensibly healthy population. It had not been previously curated by ICSL or reported in the Human Gene Mutation Database (HGMD: prior to June 1st, 2018), and was therefore a candidate for classification through an automated scoring system. Utilizing variant allele frequency, disease prevalence and penetrance estimates, and inheritance mode, an automated score was calculated to assess if this variant is too frequent to cause the disease. Based on the score and internal cut-off values, a variant classified as benign is not then subjected to further curation. The score for this variant resulted in a classification of benign for this disease.

Breakthrough Genomics
Classification: Benign. Review status: criteria provided, single submitter. Criteria: ACMG Guidelines, 2015. Collection method: not provided. Allele origin: germline. Inheritance: Autosomal recessive inheritance. Affected: yes.